The following is an entry in ClinVar:

NM_032409.3(PINK1):c.852C>T (p.Ser284=)

Genes: PINK1 (PTEN induced kinase 1; plus strand), PINK1-AS (PINK1 antisense RNA; minus strand). Cytogenetic location: 1p36.12.
Variant type: single nucleotide variant.
Coding change: c.852C>T on transcript NM_032409.3 (MANE Select); coding-DNA position 852, C replaced by T.
Protein change: p.Ser284=; no amino-acid change (serine 284 retained).
Molecular consequence: synonymous variant.
Genome position (GRCh38, 1-based): chr1:20,644,565, C>T. VCF-style: chr1-20644565-C-T. GRCh37 (hg19) VCF-style: chr1-20971058-C-T.
Identifiers: ClinVar variation 712196 (VCV000712196.15), dbSNP rs368453193, ClinGen allele CA660558.

ClinVar aggregate classification (germline): Likely benign. Review status: criteria provided, multiple submitters, no conflicts (2 of 4 stars). 2 submissions from 2 submitters: Likely benign (2). Last evaluated 2025-12-29.

Conditions:
Autosomal recessive early-onset Parkinson disease 6 (PARK6). Also called: PINK1 Type of Young-Onset Parkinson Disease; PINK1-Related Parkinson Disease; PARKINSON DISEASE 6, EARLY-ONSET; PARKINSON DISEASE 6, MODIFIER OF. Identifiers: Orphanet 2828, MedGen C1853833, MONDO:0011613, OMIM 605909.

Allele frequency attached by ClinVar (database versions not stated): gnomAD 0.00005 and 0.00006; TOPMed 0.00006; ExAC 0.00007; ESP Exome Variant Server 0.00008; gnomAD exomes 0.00010.

Submissions (2):

Labcorp Genetics (formerly Invitae), Labcorp
Classification: Likely benign for Autosomal recessive early-onset Parkinson disease 6. Last evaluated: 2025-12-29. Review status: criteria provided, single submitter. Criteria: Invitae Variant Classification Sherloc (09022015). Collection method: clinical testing. Allele origin: germline.

CeGaT Center for Human Genetics Tuebingen
Classification: Likely benign. Last evaluated: 2025-01-01. Review status: criteria provided, single submitter. Criteria: CeGaT Center For Human Genetics Tuebingen Variant Classification Criteria Version 2. Collection method: clinical testing. Allele origin: germline. Affected: yes. Observed: 1 variant allele.
Comment: PINK1: BP4, BP7